The following is an entry in ClinVar:

NM_001166114.2(PNPLA6):c.3699+17G>A

Gene: PNPLA6 (patatin like domain 6, lysophospholipase; plus strand). Cytogenetic location: 19p13.2.
Variant type: single nucleotide variant.
Coding change: c.3699+17G>A on transcript NM_001166114.2 (MANE Select); 17 bases into the intron after coding-DNA position 3699, G replaced by A.
Molecular consequence: intron variant.
Genome position (GRCh38, 1-based): chr19:7,559,168, G>A. VCF-style: chr19-7559168-G-A. GRCh37 (hg19) VCF-style: chr19-7624054-G-A.
Other names: c.3585+17G>A (NM_006702.5, NM_001166113.1); c.3504+17G>A (NM_001166112.2); c.3729+17G>A (NM_001166111.2).
Identifiers: ClinVar variation 506731 (VCV000506731.10), dbSNP rs141831508, ClinGen allele CA9140539.

ClinVar aggregate classification (germline): Benign/Likely benign. Review status: criteria provided, multiple submitters, no conflicts (2 of 4 stars). 3 submissions from 3 submitters: Benign (1); Likely benign (2). Last evaluated 2026-01-06.

Conditions:
Hereditary spastic paraplegia 39 (SPG39). Also called: Spastic Paraplegia Type 39 (SPG39); SPASTIC PARAPLEGIA 39, AUTOSOMAL RECESSIVE. Identifiers: Orphanet 139480, MedGen C2677586, MONDO:0012787, OMIM 612020.

Allele frequency attached by ClinVar (database versions not stated): gnomAD 0.00026 and 0.00046; TOPMed 0.00038; ESP Exome Variant Server 0.00046; gnomAD exomes 0.00069 and 0.00096; ExAC 0.00113; 1000 Genomes Project 30x 0.00156; 1000 Genomes Project 0.00200.
gnomAD v4.1: 1,081 of 1,610,756 alleles (0.067%); highest among the groups gnomAD compares: South Asian, 0.49%; 8 homozygotes.

Submissions (3):

Labcorp Genetics (formerly Invitae), Labcorp
Classification: Benign for Hereditary spastic paraplegia 39. Last evaluated: 2026-01-06. Review status: criteria provided, single submitter. Criteria: Invitae Variant Classification Sherloc (09022015). Collection method: clinical testing. Allele origin: germline.

Blueprint Genetics
Classification: Likely benign. Last evaluated: 2024-11-26. Review status: criteria provided, single submitter. Criteria: ACMG Guidelines, 2015. Collection method: clinical testing. Allele origin: germline.

GeneDx
Classification: Likely benign. Last evaluated: 2017-12-26. Review status: criteria provided, single submitter. Criteria: GeneDx Variant Classification (06012015). Collection method: clinical testing. Allele origin: germline. Affected: yes.
Comment: This variant is considered likely benign or benign based on one or more of the following criteria: it is a conservative change, it occurs at a poorly conserved position in the protein, it is predicted to be benign by multiple in silico algorithms, and/or has population frequency not consistent with disease.